The following is an entry in ClinVar:

NM_000038.6(APC):c.6151A>G (p.Lys2051Glu)

Gene: APC (APC regulator of Wnt signaling pathway; plus strand). Cytogenetic location: 5q22.2.
Variant type: single nucleotide variant.
Coding change: c.6151A>G on transcript NM_000038.6 (MANE Select); coding-DNA position 6151, A replaced by G.
Protein change: p.Lys2051Glu; replaces lysine 2051 with glutamic acid.
Molecular consequence: missense variant.
Genome position (GRCh38, 1-based): chr5:112,841,745, A>G. VCF-style: chr5-112841745-A-G. GRCh37 (hg19) VCF-style: chr5-112177442-A-G.
Other names: c.6151A>G, p.Lys2051Glu (NM_001127510.3, NM_001354895.2, NM_001407450.1); c.6097A>G, p.Lys2033Glu (NM_001127511.3); c.6205A>G, p.Lys2069Glu (NM_001354896.2, NM_001407447.1, NM_001407448.1 and 1 more transcripts); c.6181A>G, p.Lys2061Glu (NM_001354897.2); c.6076A>G, p.Lys2026Glu (NM_001354898.2); c.6067A>G, p.Lys2023Glu (NM_001354899.2); c.6028A>G, p.Lys2010Glu (NM_001354900.2); c.5974A>G, p.Lys1992Glu (NM_001354901.2, NM_001407453.1); and 11 more; short protein forms K1992E, K2023E, K2041E, K1891E, K1922E, K2010E, K2044E, K2069E.
Identifiers: ClinVar variation 1751890 (VCV001751890.2), dbSNP rs2149958292, ClinGen allele CA16034799.
Genomic context (GRCh38, chr5:112,841,745, plus strand): 5'-AGTATTGACTCTGAAGATGACCTGTTGCAGGAATGTATAAGCTCCGCAATGCCAAAAAAG[A>G]AAAAGCCTTCAAGACTCAAGGGTGATAATGAAAAACATAGTCCCAGAAATATGGGTGGCA-3'
Protein context (NP_000029.2, residues 2041-2061): ECISSAMPKK[Lys2051Glu]KPSRLKGDNE

ClinVar aggregate classification (germline): Uncertain significance (1 of 4 stars; one submission).

Conditions:
Hereditary cancer-predisposing syndrome. Also called: Hereditary Cancer Syndrome; Hereditary neoplastic syndrome; Neoplastic Syndromes, Hereditary; Tumor predisposition. Identifiers: Orphanet 140162, MedGen C0027672, MeSH D009386, MONDO:0015356.

Submission:

Ambry Genetics
Classification: Uncertain significance for Hereditary cancer-predisposing syndrome. Last evaluated: 2021-09-03. Review status: criteria provided, single submitter. Criteria: Ambry Variant Classification Scheme 2023. Collection method: clinical testing. Allele origin: germline.
Comment: The p.K2051E variant (also known as c.6151A>G), located in coding exon 15 of the APC gene, results from an A to G substitution at nucleotide position 6151. The lysine at codon 2051 is replaced by glutamic acid, an amino acid with similar properties. This amino acid position is well conserved in available vertebrate species. In addition, in silico predictors for this gene do not accurately predict pathogenicity. Since supporting evidence is limited at this time, the clinical significance of this alteration remains unclear.